The following is an entry in ClinVar:

NM_000046.5(ARSB):c.1143-1G>C

Gene: ARSB (arylsulfatase B; minus strand). Cytogenetic location: 5q14.1.
Variant type: single nucleotide variant.
Coding change: c.1143-1G>C on transcript NM_000046.5 (MANE Select); the canonical splice acceptor site of the intron before coding-DNA position 1143, G replaced by C.
Molecular consequence: splice acceptor variant.
Genome position (GRCh38, 1-based): chr5:78,839,427, C>G on the plus strand (G>C on the coding strand, the complement: ARSB is on the minus strand). VCF-style: chr5-78839427-C-G. GRCh37 (hg19) VCF-style: chr5-78135250-C-G.
Other names: IVS5AS, G-C,-1; c.1143-1G>C (NM_198709.3).
Identifiers: ClinVar variation 887 (VCV000000887.23), dbSNP rs431905495, ClinGen allele CA114611.

ClinVar aggregate classification (germline): Pathogenic. Review status: criteria provided, multiple submitters, no conflicts (2 of 4 stars). 9 submissions from 9 submitters: Pathogenic (8). 1 of the submissions does not count toward it. Last evaluated 2025-01-31.

Conditions:
Mucopolysaccharidosis type 6 (MPS6). Also called: MPS VI; ARSB DEFICIENCY; ARYLSULFATASE B DEFICIENCY; N-ACETYLGALACTOSAMINE-4-SULFATASE DEFICIENCY; MPS 6; Maroteaux Lamy syndrome. Identifiers: Orphanet 583, MedGen C0026709, MONDO:0009661, OMIM 253200.

Allele frequency attached by ClinVar (database versions not stated): gnomAD 0.00002.
gnomAD v4.1: 4 of 1,612,948 alleles (0.00025%); highest among the groups gnomAD compares: Admixed American, 0.005%; no homozygotes.

Submissions (9):

Natera, Inc.
Classification: Pathogenic for Mucopolysaccharidosis type VI. Last evaluated: 2025-01-31. Review status: criteria provided, single submitter. Criteria: Natera Variant Classification Schema (03/2026). Collection method: clinical testing. Allele origin: germline.
Comment: The c.1143-1G>C variant in ARSB is a canonical splice acceptor site variant predicted to affect pre-mRNA splicing, which may result in an abnormal transcript and altered protein product. This variant is expected to result in nonsense mediated decay, truncation, or a dysfunctional protein product. This variant is rare in the general population with a frequency below the threshold expected for the associated phenotype(s). This variant has been observed in one or more individuals affected with the associated recessive disease, as either homozygous or compound heterozygous with a second variant (PMID: 17643332). Given the available evidence, this variant is classified as Pathogenic.

3billion
Classification: Pathogenic for Mucopolysaccharidosis type 6. Last evaluated: 2025-01-06. Review status: criteria provided, single submitter. Criteria: ACMG Guidelines, 2015. Collection method: clinical testing. Allele origin: germline. Affected: yes.
Comment: The variant is observed at an extremely low frequency in the gnomAD v4.1.0 dataset (total allele frequency: <0.001%). Predicted Consequence/Location: Canonical splice site: predicted to alter splicing and result in a loss or disruption of normal protein function. Multiple pathogenic loss-of-function variants are reported downstream of the variant. In silico tools predict the variant to alter splicing and produce an abnormal transcript [SpliceAI: 0.89 (spliceogenicity >=0.2, non-spliceogenicity <0.1)]. The variant has been reported at least twice as pathogenic with clinical assertions and evidence for the classification (ClinVar ID: VCV000000887 /PMID: 17458871). Therefore, this variant is classified as Pathogenic according to the recommendation of ACMG/AMP guideline.

Revvity Omics, Revvity
Classification: Pathogenic for Mucopolysaccharidosis type 6. Last evaluated: 2024-06-14. Review status: criteria provided, single submitter. Criteria: ACMG Guidelines, 2015. Collection method: clinical testing. Allele origin: germline.

Labcorp Genetics (formerly Invitae), Labcorp
Classification: Pathogenic for Mucopolysaccharidosis type 6. Last evaluated: 2023-09-15. Review status: criteria provided, single submitter. Criteria: Invitae Variant Classification Sherloc (09022015). Collection method: clinical testing. Allele origin: germline.
Comment: This variant is present in population databases (rs431905495, gnomAD 0.1%). Disruption of this splice site has been observed in individuals with mucopolysaccharidosis VI (PMID: 17458871). This sequence change affects an acceptor splice site in intron 5 of the ARSB gene. RNA analysis indicates that disruption of this splice site induces altered splicing and may result in an absent or disrupted protein product. ClinVar contains an entry for this variant (Variation ID: 887). Studies have shown that disruption of this splice site results in exon 6 skipping and introduces a premature termination codon (PMID: 18406185). The resulting mRNA is expected to undergo nonsense-mediated decay. For these reasons, this variant has been classified as Pathogenic.

Fulgent Genetics
Classification: Pathogenic for Mucopolysaccharidosis type 6. Last evaluated: 2021-12-08. Review status: criteria provided, single submitter. Criteria: ACMG Guidelines, 2015. Collection method: clinical testing. Allele origin: unknown.

Laboratory of Diagnosis and Therapy of Lysosomal Disorders, University of Padova
Classification: Pathogenic for Mucopolysaccharidosis type 6. Last evaluated: 2018-01-01. Review status: criteria provided, single submitter. Criteria: ACMG Guidelines, 2015. Collection method: curation. Allele origin: germline. Affected: yes.
Comment: Splicing variant in canonical site (PVS1); In vitro functional studies supportive of a damaging effect on the gene product (demonstrated nonsense mediated RNA decay; PS3); Very low frequency in GnomAD (PM2); Reputable source identifies as pathogenic (PP5)

Illumina Laboratory Services, Illumina
Classification: Pathogenic for Mucopolysaccharidosis type 6. Last evaluated: 2017-04-27. Review status: criteria provided, single submitter. Criteria: ICSL Variant Classification Criteria 09 May 2019. Collection method: clinical testing. Allele origin: germline.
Comment: The ARSB c.1143-1G>C variant occurs in a canonical splice site (acceptor) and is predicted to disrupt or distort the normal gene product. The c.1143-1G>C variant has been reported in four studies in which it is found in at least 14 individuals with mucopolysaccharidosis, type VI, including one who carried the variant in a homozygous state and 13, including two siblings, who carried the variant in a compound heterozygous state (Garrido et al. 2007; Karageorgos et al. 2007; Garrido et al. 2008; Giraldo et al. 2016). The clinical phenotypes of these patients ranged from intermediate to severe. The c.1143-1G>C variant was absent from 50 controls and is not found in the 1000 Genomes Project, the Exome Sequencing Project, or the Exome Aggregation Consortium. Functional studies showed that the variant resulted in lower levels of protein compared to wildtype, a range of 1-23% enzyme activity compared to controls, was subject to nonsense-mediated decay, and did not fully correctly localize to the lysosome (Karageorgos et al. 2007; Garrido et al. 2008). Based on the potential impact of splice acceptor variants and the evidence from the literature, the c.1143-1G>C variant is classified as pathogenic for mucopolysaccharidosis, type VI. This variant was observed by ICSL as part of a predisposition screen in an ostensibly healthy population.

Women's Health and Genetics/Laboratory Corporation of America, LabCorp
Classification: Pathogenic for Mucopolysaccharidosis type 6. Last evaluated: 2016-11-18. Review status: criteria provided, single submitter. Criteria: LabCorp Variant Classification Summary - May 2015. Collection method: clinical testing. Allele origin: germline.
Comment: Variant summary: The ARSB c.1143-1G>C variant substitutes a highly conserved nucleotide at the canonical splice acceptor site in intron 5. 4/5 splice prediction tools predict abrogation of the splice acceptor site. The prediction results are verified by a functional assay: RT-PCR on a patients fibroblasts showed skipping of exon 6 (Garrido_2007). Exon 6 is encodes a part of alkaline-phosphatase-like, core domain (InterPro), thus skipping of exon 6 is expected to form non-functional protein. This variant is absent in 121248 control chromosomes from the broad and large populations of ExAC. It is found in several patients with mucopolysaccharidosis type VI with consistent recessive genotypes including evidence of cosegregation with disease (Karageorgos_2007, Garrido_2007, and Garrido_2015). In addition, multiple clinical reputable databases have classified this variant as pathogenic. Taken together, this variant is classified as Pathogenic.

OMIM
Classification: Pathogenic for MUCOPOLYSACCHARIDOSIS, TYPE VI. Last evaluated: 2007-09-01. Review status: no assertion criteria provided. Collection method: literature only. Allele origin: germline. Not counted in ClinVar's aggregate classification.

Literature cited by the submitters: PubMed 17643332 (cited by 4 submitters); PubMed 17458871 (cited by 5 submitters); PubMed 18406185 (cited by 3 submitters); PubMed 26909334 (cited by Laboratory of Diagnosis and Therapy of Lysosomal Disorders, University of Padova and Illumina Laboratory Services, Illumina); PubMed 30118150 (cited by Laboratory of Diagnosis and Therapy of Lysosomal Disorders, University of Padova).